The following is an entry in ClinVar:

NM_001036.6(RYR3):c.6002G>A (p.Arg2001Gln)

Gene: RYR3 (ryanodine receptor 3; plus strand). Cytogenetic location: 15q14.
Variant type: single nucleotide variant.
Coding change: c.6002G>A on transcript NM_001036.6 (MANE Select); coding-DNA position 6002, G replaced by A.
Protein change: p.Arg2001Gln; replaces arginine 2001 with glutamine.
Molecular consequence: missense variant.
Genome position (GRCh38, 1-based): chr15:33,696,359, G>A. VCF-style: chr15-33696359-G-A. GRCh37 (hg19) VCF-style: chr15-33988560-G-A.
Other names: c.6002G>A, p.Arg2001Gln (NM_001243996.4); short protein forms R2001Q.
Identifiers: ClinVar variation 531022 (VCV000531022.11), dbSNP rs375286188, ClinGen allele CA7459418.

ClinVar aggregate classification (germline): Uncertain significance (1 of 4 stars; one submission).

Conditions:
Epileptic encephalopathy. Identifiers: MedGen C0543888, HP:0200134.

Allele frequency attached by ClinVar (database versions not stated): gnomAD 0.00001; ExAC 0.00007; ESP Exome Variant Server 0.00016; gnomAD exomes 0.00008; TOPMed 0.00003.
gnomAD v4.1: 20 of 1,613,164 alleles (0.0012%); highest among the groups gnomAD compares: Admixed American, 0.017%; no homozygotes.

Submission:

Labcorp Genetics (formerly Invitae), Labcorp
Classification: Uncertain significance for Epileptic encephalopathy. Last evaluated: 2022-09-07. Review status: criteria provided, single submitter. Criteria: Invitae Variant Classification Sherloc (09022015). Collection method: clinical testing. Allele origin: germline.
Comment: This sequence change replaces arginine, which is basic and polar, with glutamine, which is neutral and polar, at codon 2001 of the RYR3 protein (p.Arg2001Gln). In summary, the available evidence is currently insufficient to determine the role of this variant in disease. Therefore, it has been classified as a Variant of Uncertain Significance. Algorithms developed to predict the effect of missense changes on protein structure and function are either unavailable or do not agree on the potential impact of this missense change (SIFT: "Deleterious"; PolyPhen-2: "Benign"; Align-GVGD: "Class C0"). ClinVar contains an entry for this variant (Variation ID: 531022). This variant has not been reported in the literature in individuals affected with RYR3-related conditions. This variant is present in population databases (rs375286188, gnomAD 0.04%).